The following is an entry in ClinVar:

ClinVar aggregate classification (germline): Uncertain significance (1 of 4 stars; one submission).

Allele frequency attached by ClinVar (database versions not stated): ExAC 0.00001; gnomAD 0.00001; gnomAD exomes 0.00002; TOPMed 0.00002; ESP Exome Variant Server 0.00008.
gnomAD v4.1: 25 of 1,612,362 alleles (0.0016%); highest among the groups gnomAD compares: East Asian, 0.0022%; no homozygotes.

Submission:

Labcorp Genetics (formerly Invitae), Labcorp
Classification: Uncertain significance. Last evaluated: 2024-08-21. Review status: criteria provided, single submitter. Criteria: Invitae Variant Classification Sherloc (09022015). Collection method: clinical testing. Allele origin: germline.
Comment: This sequence change replaces arginine, which is basic and polar, with tryptophan, which is neutral and slightly polar, at codon 487 of the ERBB2 protein (p.Arg487Trp). This variant is present in population databases (rs375382055, gnomAD 0.005%). This variant has not been reported in the literature in individuals affected with ERBB2-related conditions. ClinVar contains an entry for this variant (Variation ID: 1400164). Invitae Evidence Modeling of protein sequence and biophysical properties (such as structural, functional, and spatial information, amino acid conservation, physicochemical variation, residue mobility, and thermodynamic stability) indicates that this missense variant is not expected to disrupt ERBB2 protein function with a negative predictive value of 80%. In summary, the available evidence is currently insufficient to determine the role of this variant in disease. Therefore, it has been classified as a Variant of Uncertain Significance.

NM_004448.4(ERBB2):c.1459C>T (p.Arg487Trp)

Gene: ERBB2 (erb-b2 receptor tyrosine kinase 2; plus strand). Cytogenetic location: 17q12.
Variant type: single nucleotide variant.
Coding change: c.1459C>T on transcript NM_004448.4 (MANE Select); coding-DNA position 1459, C replaced by T.
Protein change: p.Arg487Trp; replaces arginine 487 with tryptophan.
Molecular consequence: missense variant. On other transcripts: non-coding transcript variant (1), intron variant (1).
Genome position (GRCh38, 1-based): chr17:39,715,885, C>T. VCF-style: chr17-39715885-C-T. GRCh37 (hg19) VCF-style: chr17-37872138-C-T.
Other names: c.1369C>T, p.Arg457Trp (NM_001005862.3, NM_001289938.2, NM_001382782.1 and 1 more transcripts); c.1414C>T, p.Arg472Trp (NM_001289936.2); c.1459C>T, p.Arg487Trp (NM_001289937.2, NM_001382785.1, NM_001382788.1 and 12 more transcripts); c.1576C>T, p.Arg526Trp (NM_001382784.1, NM_001382786.1); c.1534C>T, p.Arg512Trp (NM_001382787.1); c.1480C>T, p.Arg494Trp (NM_001382789.1); c.1450C>T, p.Arg484Trp (NM_001382791.1); c.1279C>T, p.Arg427Trp (NM_001382799.1); and 3 more; short protein forms R472W, R512W, R427W, R526W, R211W, R401W, R484W, R487W.
Identifiers: ClinVar variation 1400164 (VCV001400164.6), dbSNP rs375382055, ClinGen allele CA8533986.